The following is an entry in ClinVar:

NM_001084.5(PLOD3):c.1906G>A (p.Glu636Lys)

Gene: PLOD3 (procollagen-lysine,2-oxoglutarate 5-dioxygenase 3; minus strand). Cytogenetic location: 7q22.1.
Variant type: single nucleotide variant.
Coding change: c.1906G>A on transcript NM_001084.5 (MANE Select); coding-DNA position 1906, G replaced by A.
Protein change: p.Glu636Lys; replaces glutamic acid 636 with lysine.
Molecular consequence: missense variant.
Genome position (GRCh38, 1-based): chr7:101,207,607, C>T on the plus strand (G>A on the coding strand, the complement: PLOD3 is on the minus strand). VCF-style: chr7-101207607-C-T. GRCh37 (hg19) VCF-style: chr7-100850888-C-T.
Other names: c.1906G>A (NM_001084.4); short protein forms E636K.
Identifiers: ClinVar variation 2421874 (VCV002421874.6), dbSNP rs200112480, ClinGen allele CA4407478.

ClinVar aggregate classification (germline): Uncertain significance. Review status: criteria provided, multiple submitters, no conflicts (2 of 4 stars). 2 submissions from 2 submitters: Uncertain significance (2). Last evaluated 2023-10-17.

Conditions:
Inborn genetic diseases. Identifiers: MedGen C0950123, MeSH D030342.

Allele frequency attached by ClinVar (database versions not stated): TOPMed below 0.00001; ExAC 0.00001; gnomAD 0.00001; gnomAD exomes 0.00001.
gnomAD v4.1: 22 of 1,613,944 alleles (0.0014%); highest among the groups gnomAD compares: South Asian, 0.0033%; no homozygotes.

Submissions (2):

Ambry Genetics
Classification: Uncertain significance for Inborn genetic diseases. Last evaluated: 2023-10-17. Review status: criteria provided, single submitter. Criteria: Ambry Variant Classification Scheme 2023. Collection method: clinical testing. Allele origin: germline.

Labcorp Genetics (formerly Invitae), Labcorp
Classification: Uncertain significance. Last evaluated: 2022-08-20. Review status: criteria provided, single submitter. Criteria: Invitae Variant Classification Sherloc (09022015). Collection method: clinical testing. Allele origin: germline.
Comment: In summary, the available evidence is currently insufficient to determine the role of this variant in disease. Therefore, it has been classified as a Variant of Uncertain Significance. Algorithms developed to predict the effect of missense changes on protein structure and function are either unavailable or do not agree on the potential impact of this missense change (SIFT: "Deleterious"; PolyPhen-2: "Benign"; Align-GVGD: "Class C0"). This variant has not been reported in the literature in individuals affected with PLOD3-related conditions. This variant is present in population databases (rs200112480, gnomAD 0.006%). This sequence change replaces glutamic acid, which is acidic and polar, with lysine, which is basic and polar, at codon 636 of the PLOD3 protein (p.Glu636Lys).